The following is an entry in ClinVar:

NM_000014.6(A2M):c.2812A>G (p.Asn938Asp)

Genes: A2M (alpha-2-macroglobulin; minus strand), KLRG1 (killer cell lectin like receptor G1; plus strand). Cytogenetic location: 12p13.31.
Variant type: single nucleotide variant.
Coding change: c.2812A>G on transcript NM_000014.6 (MANE Select); coding-DNA position 2812, A replaced by G.
Protein change: p.Asn938Asp; replaces asparagine 938 with aspartic acid.
Molecular consequence: missense variant.
Genome position (GRCh38, 1-based): chr12:9,080,136, T>C on the plus strand (A>G on the coding strand, the complement: A2M is on the minus strand). VCF-style: chr12-9080136-T-C. GRCh37 (hg19) VCF-style: chr12-9232732-T-C.
Other names: c.2812A>G, p.Asn938Asp (NM_001347423.2); c.2512A>G, p.Asn838Asp (NM_001347424.2); c.2362A>G, p.Asn788Asp (NM_001347425.2); short protein forms N788D, N838D, N938D.
Identifiers: ClinVar variation 3048942 (VCV003048942.2), dbSNP rs201451491, ClinGen allele CA6438284.

ClinVar aggregate classification (germline): Likely benign (0 of 4 stars; one submission).

Conditions:
A2M-related disorder. Also called: A2M-related condition.

Allele frequency attached by ClinVar (database versions not stated): gnomAD exomes 0.00005; ExAC 0.00037; gnomAD 0.00048; TOPMed 0.00051; ESP Exome Variant Server 0.00059; 1000 Genomes Project 30x 0.00125; 1000 Genomes Project 0.00160.
gnomAD v4.1: 151 of 1,589,468 alleles (0.0095%); highest among the groups gnomAD compares: African/African-American, 0.18%; 1 homozygote.

Submission:

PreventionGenetics, part of Exact Sciences
Classification: Likely benign for A2M-related condition. Last evaluated: 2022-05-16. Review status: no assertion criteria provided. Collection method: clinical testing. Allele origin: germline.
Comment: This variant is classified as likely benign based on ACMG/AMP sequence variant interpretation guidelines (Richards et al. 2015 PMID: 25741868, with internal and published modifications).